The following is an entry in ClinVar:

ClinVar aggregate classification (germline): Likely benign (1 of 4 stars; one submission).

Conditions:
KDM4B-related disorder. Also called: KDM4B-related condition.

gnomAD v4.1: 72 of 1,610,964 alleles (0.0045%); highest among the groups gnomAD compares: African/African-American, 0.049%; no homozygotes.

Submission:

PreventionGenetics, part of Exact Sciences
Classification: Likely benign for KDM4B-related condition. Last evaluated: 2025-07-15. Review status: criteria provided, single submitter. Criteria: ACMG Guidelines, 2015. Collection method: clinical testing. Allele origin: germline.
Comment: This variant is classified as likely benign based on ACMG/AMP sequence variant interpretation guidelines (Richards et al. 2015 PMID: 25741868, with internal and published modifications).

NM_015015.3(KDM4B):c.1875G>A (p.Ser625=)

Gene: KDM4B (lysine demethylase 4B; plus strand). Cytogenetic location: 19p13.3.
Variant type: single nucleotide variant.
Coding change: c.1875G>A on transcript NM_015015.3 (MANE Select); coding-DNA position 1875, G replaced by A.
Protein change: p.Ser625=; no amino-acid change (serine 625 retained).
Molecular consequence: synonymous variant.
Genome position (GRCh38, 1-based): chr19:5,131,976, G>A. VCF-style: chr19-5131976-G-A. GRCh37 (hg19) VCF-style: chr19-5131987-G-A.
Other names: c.1977G>A, p.Ser659= (NM_001411148.1).
Identifiers: ClinVar variation 4983708 (VCV004983708.1).